The following is an entry in ClinVar:

ClinVar aggregate classification (germline): Conflicting classifications of pathogenicity. Review status: criteria provided, conflicting classifications (1 of 4 stars). 3 submissions from 3 submitters: Uncertain significance (2); Likely benign (1). Last evaluated 2025-11-03.

Conditions:
Bardet-Biedl syndrome 1 (BBS1). Identifiers: MedGen C2936862, MONDO:0008854, OMIM 209900. Disease mechanism: loss of function.
Bardet-Biedl syndrome 3 (BBS3). Identifiers: Orphanet 110, MedGen C1859564, MONDO:0010832, OMIM 600151.
Retinitis pigmentosa 55 (RP55). Identifiers: Orphanet 791, MedGen C3150808, MONDO:0013312, OMIM 613575.

Allele frequency attached by ClinVar (database versions not stated): gnomAD 0.00002 and 0.00001; gnomAD exomes 0.00002; ESP Exome Variant Server 0.00008; 1000 Genomes Project 30x 0.00031; TOPMed 0.00002; 1000 Genomes Project 0.00020; ExAC 0.00002.
gnomAD v4.1: 30 of 1,611,040 alleles (0.0019%); highest among the groups gnomAD compares: African/African-American, 0.004%; no homozygotes.

Submissions (3):

Labcorp Genetics (formerly Invitae), Labcorp
Classification: Likely benign for Retinitis pigmentosa 55; Bardet-Biedl syndrome 3. Last evaluated: 2025-11-03. Review status: criteria provided, single submitter. Criteria: Invitae Variant Classification Sherloc (09022015). Collection method: clinical testing. Allele origin: germline.

Fulgent Genetics
Classification: Uncertain significance for Bardet-Biedl syndrome 1; Bardet-Biedl syndrome 3; Retinitis pigmentosa 55. Last evaluated: 2024-03-01. Review status: criteria provided, single submitter. Criteria: ACMG Guidelines, 2015. Collection method: clinical testing. Allele origin: germline.

GeneDx
Classification: Uncertain significance. Last evaluated: 2019-09-13. Review status: criteria provided, single submitter. Criteria: GeneDx Variant Classification Process June 2021. Collection method: clinical testing. Allele origin: germline. Affected: yes.
Comment: Not observed at a significant frequency in large population cohorts (Lek et al., 2016); Has not been previously published as pathogenic or benign to our knowledge; In-silico analysis, which includes splice predictors and evolutionary conservation, is inconclusive as to whether the variant alters gene splicing. In the absence of RNA/functional studies, the actual effect of this sequence change is unknown.

NM_001278293.3(ARL6):c.186-11T>G

Gene: ARL6 (ARF like GTPase 6; plus strand). Cytogenetic location: 3q11.2.
Variant type: single nucleotide variant.
Coding change: c.186-11T>G on transcript NM_001278293.3 (MANE Select); 11 bases into the intron before coding-DNA position 186, T replaced by G.
Molecular consequence: intron variant.
Genome position (GRCh38, 1-based): chr3:97,780,604, T>G. VCF-style: chr3-97780604-T-G. GRCh37 (hg19) VCF-style: chr3-97499448-T-G.
Other names: c.186-11T>G (NM_032146.5, NM_177976.3, NM_001323513.2 and 1 more transcripts).
Identifiers: ClinVar variation 1318962 (VCV001318962.10), dbSNP rs370656150, ClinGen allele CA2505891.
Genomic context (GRCh38, chr3:97,780,604, plus strand): 5'-AATAATTTAAAATTTTAAGTAAAAGTTATGCTTTAGTTTATAATGTAGTCATGTTTTGCT[T>G]CTTTTTGTAGTTTGTCATTTACAGTGTTTGACATGTCAGGTCAAGGAAGATACAGAAATC-3'